The following is an entry in ClinVar:

ClinVar aggregate classification (germline): Uncertain significance. Review status: criteria provided, multiple submitters, no conflicts (2 of 4 stars). 3 submissions from 3 submitters: Uncertain significance (3). Last evaluated 2022-12-16.

Conditions:
Cardiovascular phenotype. Identifiers: MedGen CN230736.
Autosomal recessive limb-girdle muscular dystrophy type 2J (LGMDR10). Also called: MUSCULAR DYSTROPHY, LIMB-GIRDLE, AUTOSOMAL RECESSIVE 10; Limb-girdle muscular dystrophy, type 2J. Identifiers: Orphanet 140922, MedGen C1837342, MONDO:0012127, OMIM 608807.
Dilated cardiomyopathy 1G (CMD1G). Identifiers: Orphanet 154, MedGen C1858763, MONDO:0011400, OMIM 604145.

Allele frequency attached by ClinVar (database versions not stated): TOPMed 0.00002.
gnomAD v4.1: 5 of 1,613,500 alleles (0.00031%); highest among the groups gnomAD compares: Non-Finnish European, 0.00042%; no homozygotes.

Submissions (3):

Department of Human Genetics, Hannover Medical School
Classification: Uncertain significance for Dilated cardiomyopathy 1G. Last evaluated: 2022-12-16. Review status: criteria provided, single submitter. Criteria: ACMG Guidelines, 2015. Collection method: clinical testing. Allele origin: germline. Inheritance: Autosomal dominant inheritance. Affected: yes.

Ambry Genetics
Classification: Uncertain significance for Cardiovascular phenotype. Last evaluated: 2018-08-13. Review status: criteria provided, single submitter. Criteria: Ambry Variant Classification Scheme 2023. Collection method: clinical testing. Allele origin: germline.
Comment: The p.G18539R variant (also known as c.55615G>C), located in coding exon 153 of the TTN gene, results from a G to C substitution at nucleotide position 55615. The glycine at codon 18539 is replaced by arginine, an amino acid with dissimilar properties. This variant (denoted as NM_001256850.1:c.77887G>C p.G25963R) was reported in an individual with early onset dilated cardiomyopathy (DCM) and a family history of DCM (Waldm&uuml;ller S et al. Mol. Cell. Probes, 2015 Oct;29:308-14). This amino acid position is highly conserved in available vertebrate species. In addition, this alteration is predicted to be probably damaging by PolyPhen in silico analysis. Since supporting evidence is limited at this time, the clinical significance of this alteration remains unclear.

Labcorp Genetics (formerly Invitae), Labcorp
Classification: Uncertain significance for Dilated cardiomyopathy 1G; Autosomal recessive limb-girdle muscular dystrophy type 2J. Last evaluated: 2016-11-22. Review status: criteria provided, single submitter. Criteria: Invitae Variant Classification Sherloc (09022015). Collection method: clinical testing. Allele origin: germline.

Literature cited by the submitters: PubMed 25979592 (cited by Ambry Genetics).

NM_001267550.2(TTN):c.82810G>C (p.Gly27604Arg)

Genes: TTN (titin; minus strand), TTN-AS1 (TTN antisense RNA 1; plus strand). Cytogenetic location: 2q31.2.
Variant type: single nucleotide variant.
Coding change: c.82810G>C on transcript NM_001267550.2 (MANE Select); coding-DNA position 82810, G replaced by C.
Protein change: p.Gly27604Arg; replaces glycine 27604 with arginine.
Molecular consequence: missense variant.
Genome position (GRCh38, 1-based): chr2:178,563,322, C>G on the plus strand (G>C on the coding strand, the complement: TTN is on the minus strand). VCF-style: chr2-178563322-C-G. GRCh37 (hg19) VCF-style: chr2-179428049-C-G.
Other names: c.77887G>C, p.Gly25963Arg (NM_001256850.1); c.55615G>C, p.Gly18539Arg (NM_003319.4); c.75106G>C, p.Gly25036Arg (NM_133378.4); c.55990G>C, p.Gly18664Arg (NM_133432.3); c.56191G>C, p.Gly18731Arg (NM_133437.4); short protein forms G27604R, G18664R, G25036R, G25963R, G18731R, G18539R.
Identifiers: ClinVar variation 405105 (VCV000405105.6), dbSNP rs199929362, ClinGen allele CA16610270.
Genomic context (GRCh38, chr2:178,563,322, plus strand): 5'-TTGGTGGAGTGCAGGTTGTCCATTCATCCGCAGCAGCTTCTTTGACCTCTACAACATAGC[C>G]TTTAACAGGTGCGCCACCATCATAAATTGGCTTACTCCATGCCAGGGAGACAGAAGATCT-3'
Protein context (NP_001254479.2, residues 27594-27614): PIYDGGAPVK[Gly27604Arg]YVVEVKEAAA